The following is an entry in ClinVar:

ClinVar aggregate classification (germline): Uncertain significance. Review status: criteria provided, multiple submitters, no conflicts (2 of 4 stars). 4 submissions from 4 submitters: Uncertain significance (4). Last evaluated 2025-01-28.

Conditions:
Hereditary cancer-predisposing syndrome. Also called: Neoplastic Syndromes, Hereditary; Tumor predisposition; Hereditary neoplastic syndrome; Hereditary Cancer Syndrome. Identifiers: Orphanet 140162, MedGen C0027672, MeSH D009386, MONDO:0015356.
Hereditary nonpolyposis colorectal neoplasms. Identifiers: MedGen C0009405, MeSH D003123.
Lynch syndrome 4 (LYNCH4). Also called: Colorectal cancer, hereditary nonpolyposis, type 4; Hereditary non-polyposis colorectal cancer, type 4. Identifiers: Orphanet 144, MedGen C1838333, MONDO:0013699, OMIM 614337. Disease mechanism: loss of function.
Lynch syndrome. Identifiers: Orphanet 144, MedGen C4552100, MONDO:0005835. Disease mechanism: loss of function.
Mismatch repair cancer syndrome 4. Identifiers: MedGen C5436817, MONDO:0030843, OMIM 619101.

Allele frequency attached by ClinVar (database versions not stated): gnomAD exomes below 0.00001.

Submissions (4):

Labcorp Genetics (formerly Invitae), Labcorp
Classification: Uncertain significance for Hereditary nonpolyposis colorectal neoplasms. Last evaluated: 2025-01-28. Review status: criteria provided, single submitter. Criteria: Invitae Variant Classification Sherloc (09022015). Collection method: clinical testing. Allele origin: germline.
Comment: This sequence change replaces alanine, which is neutral and non-polar, with valine, which is neutral and non-polar, at codon 650 of the PMS2 protein (p.Ala650Val). This variant is present in population databases (no rsID available, gnomAD 0.0009%). This variant has not been reported in the literature in individuals affected with PMS2-related conditions. ClinVar contains an entry for this variant (Variation ID: 360541). Invitae Evidence Modeling incorporating data from in vitro experimental studies (internal data) indicates that this missense variant is not expected to disrupt PMS2 function with a negative predictive value of 95%. In summary, the available evidence is currently insufficient to determine the role of this variant in disease. Therefore, it has been classified as a Variant of Uncertain Significance.

Ambry Genetics
Classification: Uncertain significance for Hereditary cancer-predisposing syndrome. Last evaluated: 2023-10-25. Review status: criteria provided, single submitter. Criteria: Ambry Variant Classification Scheme 2023. Collection method: clinical testing. Allele origin: germline.
Comment: The p.A650V variant (also known as c.1949C>T), located in coding exon 11 of the PMS2 gene, results from a C to T substitution at nucleotide position 1949. The alanine at codon 650 is replaced by valine, an amino acid with similar properties. This amino acid position is highly conserved in available vertebrate species. In addition, the in silico prediction for this alteration is inconclusive. Since supporting evidence is limited at this time, the clinical significance of this alteration remains unclear.

GeneDx
Classification: Uncertain significance. Last evaluated: 2021-02-22. Review status: criteria provided, single submitter. Criteria: GeneDx Variant Classification Process June 2021. Collection method: clinical testing. Allele origin: germline. Affected: yes.
Comment: Not observed at a significant frequency in large population cohorts (Lek 2016); In silico analysis supports that this missense variant has a deleterious effect on protein structure/function; In silico analysis supports a deleterious effect on splicing; Has not been previously published as pathogenic or benign to our knowledge

Illumina Laboratory Services, Illumina
Classification: Uncertain significance for Lynch syndrome 4. Last evaluated: 2018-01-13. Review status: criteria provided, single submitter. Criteria: ICSL Variant Classification Criteria 13 December 2019. Collection method: clinical testing. Allele origin: germline.

NM_000535.7(PMS2):c.1949C>T (p.Ala650Val)

Gene: PMS2 (PMS1 homolog 2, mismatch repair system component; minus strand). Cytogenetic location: 7p22.1.
Variant type: single nucleotide variant.
Coding change: c.1949C>T on transcript NM_000535.7 (MANE Select); coding-DNA position 1949, C replaced by T.
Protein change: p.Ala650Val; replaces alanine 650 with valine.
Molecular consequence: missense variant. On other transcripts: non-coding transcript variant (1).
Genome position (GRCh38, 1-based): chr7:5,986,816, G>A on the plus strand (C>T on the coding strand, the complement: PMS2 is on the minus strand). VCF-style: chr7-5986816-G-A. GRCh37 (hg19) VCF-style: chr7-6026447-G-A.
Other names: c.1544C>T, p.Ala515Val (NM_001322003.2, NM_001322004.2, NM_001322005.2 and 1 more transcripts); c.1793C>T, p.Ala598Val (NM_001322006.2); c.1631C>T, p.Ala544Val (NM_001322007.2, NM_001322008.2); c.1388C>T, p.Ala463Val (NM_001322010.2); c.1016C>T, p.Ala339Val (NM_001322011.2, NM_001322012.2); c.1376C>T, p.Ala459Val (NM_001322013.2); c.1949C>T, p.Ala650Val (NM_001322014.2); c.1640C>T, p.Ala547Val (NM_001322015.2); short protein forms A650V, A459V, A515V, A339V, A544V, A598V, A463V, A547V.
Identifiers: ClinVar variation 360541 (VCV000360541.20), dbSNP rs886062399, ClinGen allele CA10629332.